The following is an entry in ClinVar:

NM_000535.7(PMS2):c.250+10C>G

Gene: PMS2 (PMS1 homolog 2, mismatch repair system component; minus strand). Cytogenetic location: 7p22.1.
Variant type: single nucleotide variant.
Coding change: c.250+10C>G on transcript NM_000535.7 (MANE Select); 10 bases into the intron after coding-DNA position 250, C replaced by G.
Molecular consequence: intron variant.
Genome position (GRCh38, 1-based): chr7:6,003,962, G>C on the plus strand (C>G on the coding strand, the complement: PMS2 is on the minus strand). VCF-style: chr7-6003962-G-C. GRCh37 (hg19) VCF-style: chr7-6043593-G-C.
Other names: c.35+10C>G (NM_001322008.2, NM_001322007.2); c.-156+10C>G (NM_001322010.2, NM_001322004.2, NM_001322013.2 and 3 more transcripts); c.-635+10C>G (NM_001322012.2, NM_001322011.2); c.-235+10C>G (NM_001322015.2); c.250+10C>G (NM_001322006.2, NM_001322014.2).
Identifiers: ClinVar variation 1125578 (VCV001125578.10), dbSNP rs368113288, ClinGen allele CA153248179.
Genomic context (GRCh38, chr7:6,003,962, plus strand): 5'-CAGTGTTACTCAAAATTCTGAGACATGTGACCCAATTATTTTATAATAGGATTAGAAAAA[G>C]TCAACTTACTTAAGCCTTCGAAGTTTTCTTCTTCTACCCCACATCCATTGTCTGAAACTT-3'

ClinVar aggregate classification (germline): Likely benign. Review status: criteria provided, multiple submitters, no conflicts (2 of 4 stars). 2 submissions from 2 submitters: Likely benign (2). Last evaluated 2025-07-22.

Conditions:
Lynch syndrome 4 (LYNCH4). Also called: Colorectal cancer, hereditary nonpolyposis, type 4; Hereditary non-polyposis colorectal cancer, type 4. Identifiers: Orphanet 144, MedGen C1838333, MONDO:0013699, OMIM 614337. Disease mechanism: loss of function.
Hereditary nonpolyposis colorectal neoplasms. Identifiers: MedGen C0009405, MeSH D003123.

Allele frequency attached by ClinVar (database versions not stated): gnomAD exomes below 0.00001; TOPMed below 0.00001; ESP Exome Variant Server 0.00008.
gnomAD v4.1: 1 of 1,556,750 alleles (0.000064%); highest among the groups gnomAD compares: Non-Finnish European, 0.000089%; no homozygotes.

Submissions (2):

Labcorp Genetics (formerly Invitae), Labcorp
Classification: Likely benign for Hereditary nonpolyposis colorectal neoplasms. Last evaluated: 2025-07-22. Review status: criteria provided, single submitter. Criteria: Invitae Variant Classification Sherloc (09022015). Collection method: clinical testing. Allele origin: germline.

Myriad Genetics, Inc.
Classification: Likely benign for Lynch syndrome 4. Last evaluated: 2025-01-23. Review status: criteria provided, single submitter. Criteria: Myriad Autosomal Dominant, Autosomal Recessive and X-Linked Classification Criteria (2023). Collection method: clinical testing. Allele origin: unknown.
Comment: This variant is considered likely benign. This variant is intronic and is not expected to impact mRNA splicing.